The following is an entry in ClinVar:

ClinVar aggregate classification (germline): Uncertain significance (1 of 4 stars; one submission).

Allele frequency attached by ClinVar (database versions not stated): ExAC 0.00001; gnomAD exomes 0.00001.
gnomAD v4.1: 11 of 1,613,914 alleles (0.00068%); highest among the groups gnomAD compares: Non-Finnish European, 0.00076%; no homozygotes.

Submission:

Labcorp Genetics (formerly Invitae), Labcorp
Classification: Uncertain significance. Last evaluated: 2022-08-22. Review status: criteria provided, single submitter. Criteria: Invitae Variant Classification Sherloc (09022015). Collection method: clinical testing. Allele origin: germline.
Comment: This sequence change replaces glycine, which is neutral and non-polar, with arginine, which is basic and polar, at codon 493 of the ADAMTS10 protein (p.Gly493Arg). This variant is present in population databases (rs782722293, gnomAD 0.004%). This variant has not been reported in the literature in individuals affected with ADAMTS10-related conditions. Algorithms developed to predict the effect of missense changes on protein structure and function (SIFT, PolyPhen-2, Align-GVGD) all suggest that this variant is likely to be disruptive. Algorithms developed to predict the effect of sequence changes on RNA splicing suggest that this variant may disrupt the consensus splice site. In summary, the available evidence is currently insufficient to determine the role of this variant in disease. Therefore, it has been classified as a Variant of Uncertain Significance.

NM_030957.4(ADAMTS10):c.1477G>A (p.Gly493Arg)

Gene: ADAMTS10 (ADAM metallopeptidase with thrombospondin type 1 motif 10; minus strand). Cytogenetic location: 19p13.2.
Variant type: single nucleotide variant.
Coding change: c.1477G>A on transcript NM_030957.4 (MANE Select); coding-DNA position 1477, G replaced by A.
Protein change: p.Gly493Arg; replaces glycine 493 with arginine.
Molecular consequence: missense variant.
Genome position (GRCh38, 1-based): chr19:8,595,764, C>T on the plus strand (G>A on the coding strand, the complement: ADAMTS10 is on the minus strand). VCF-style: chr19-8595764-C-T. GRCh37 (hg19) VCF-style: chr19-8660648-C-T.
Other names: short protein forms G493R.
Identifiers: ClinVar variation 2107105 (VCV002107105.1), dbSNP rs782722293, ClinGen allele CA9160511.
Genomic context (GRCh38, chr19:8,595,764, plus strand): 5'-CCCCAGCCCCAGCGGCCCCCTCCCCTCCCAGGAAGGAAAGCAGGAAGACTCTCTCTACCC[C>T]GTATTTACACTGACGCGATTTGACTCCATGCTGAAAGCGGCATTGCTCATCTGCATCGTA-3'
Protein context (NP_112219.3, residues 483-503): HGVKSRQCKY[Gly493Arg]EVCSELWCLS